The following is an entry in ClinVar:

NC_000023.10:g.(?_20173516)_(20252952_?)dup

Gene: RPS6KA3 (ribosomal protein S6 kinase A3; minus strand). Cytogenetic location: Xp22.12.
Variant type: Duplication.
Identifiers: ClinVar variation 2425180 (VCV002425180.6).

ClinVar aggregate classification (germline): Uncertain significance (1 of 4 stars; one submission).

Conditions:
Intellectual developmental disorder, X-linked 19. Also called: Intellectual disability, X-linked 19. Identifiers: Orphanet 777, MedGen C0796225, MONDO:0010447, OMIM 300844.
Coffin-Lowry syndrome (CLS). Also called: COFFIN-LOWRY SYNDROME, MILD; Mental retardation with osteocartilaginous abnormalities. Identifiers: Orphanet 192, MedGen C0265252, MONDO:0010561, OMIM 303600.

Submission:

Labcorp Genetics (formerly Invitae), Labcorp
Classification: Uncertain significance for Coffin-Lowry syndrome; Intellectual developmental disorder, X-linked 19. Last evaluated: 2023-10-13. Review status: criteria provided, single submitter. Criteria: Invitae Variant Classification Sherloc (09022015). Collection method: clinical testing. Allele origin: germline.
Comment: This variant results in a copy number gain of the genomic region encompassing exon(s) 2-22 of the RPS6KA3 gene. This region includes the termination codon of the gene. This copy number gain extends beyond the assayed region for this gene and therefore may encompass additional genes. As the precise location of this event is unknown, it may be in tandem or it may be located elsewhere in the genome. This variant has not been reported in the literature in individuals affected with RPS6KA3-related conditions. Experimental studies and prediction algorithms are not available or were not evaluated, and the functional significance of this variant is currently unknown. In summary, the available evidence is currently insufficient to determine the role of this variant in disease. Therefore, it has been classified as a Variant of Uncertain Significance.